The following is an entry in ClinVar:

ClinVar aggregate classification (germline): Likely benign (1 of 4 stars; one submission).

Conditions:
Tuberous sclerosis 2 (TSC2). Identifiers: Orphanet 805, MedGen C1860707, MONDO:0013199, OMIM 613254.

Submission:

Myriad Genetics, Inc.
Classification: Likely benign for Tuberous sclerosis 2. Last evaluated: 2025-05-29. Review status: criteria provided, single submitter. Criteria: Myriad Autosomal Dominant, Autosomal Recessive and X-Linked Classification Criteria (2023). Collection method: clinical testing. Allele origin: unknown.
Comment: This variant is considered likely benign. This variant is intronic and is not expected to impact mRNA splicing.

NM_000548.5(TSC2):c.3610+8G>T

Gene: TSC2 (TSC complex subunit 2; plus strand). Cytogenetic location: 16p13.3.
Variant type: single nucleotide variant.
Coding change: c.3610+8G>T on transcript NM_000548.5 (MANE Select); 8 bases into the intron after coding-DNA position 3610, G replaced by T.
Molecular consequence: intron variant.
Genome position (GRCh38, 1-based): chr16:2,080,385, G>T. VCF-style: chr16-2080385-G-T. GRCh37 (hg19) VCF-style: chr16-2130386-G-T.
Other names: c.2134+8G>T (NM_001406697.1, NM_001406695.1, NM_001406696.1 and 1 more transcripts); c.1876+8G>T (NM_001406698.1); c.3610+8G>T (NM_001114382.3); c.3607+8G>T (NM_001406663.1, NM_001406664.1); c.3481+8G>T (NM_021055.3, NM_001370405.1, NM_001363528.2); c.3478+8G>T (NM_001406665.1, NM_001370404.1, NM_001077183.3); c.2137+8G>T (NM_001406694.1, NM_001406693.1, NM_001406690.1 and 1 more transcripts); c.3469+8G>T (NM_001406671.1); and 18 more.
Identifiers: ClinVar variation 4071271 (VCV004071271.1).